The following is an entry in ClinVar:

ClinVar aggregate classification (germline): Conflicting classifications of pathogenicity. Review status: criteria provided, conflicting classifications (1 of 4 stars). 3 submissions from 3 submitters: Uncertain significance (1); Likely benign (2). Last evaluated 2024-11-20.

Allele frequency attached by ClinVar (database versions not stated): gnomAD exomes 0.00001; ExAC 0.00002; TOPMed 0.00003.
gnomAD v4.1: 20 of 1,614,032 alleles (0.0012%); highest among the groups gnomAD compares: Middle Eastern, 0.049%; no homozygotes.

Submissions (3):

Ambry Genetics
Classification: Likely benign. Last evaluated: 2024-11-20. Review status: criteria provided, single submitter. Criteria: Ambry Variant Classification Scheme 2023. Collection method: clinical testing. Allele origin: germline.

Blueprint Genetics
Classification: Likely benign. Last evaluated: 2024-11-01. Review status: criteria provided, single submitter. Criteria: ACMG Guidelines, 2015. Collection method: clinical testing. Allele origin: germline.

Labcorp Genetics (formerly Invitae), Labcorp
Classification: Uncertain significance. Last evaluated: 2023-10-03. Review status: criteria provided, single submitter. Criteria: Invitae Variant Classification Sherloc (09022015). Collection method: clinical testing. Allele origin: germline.
Comment: This sequence change replaces arginine, which is basic and polar, with histidine, which is basic and polar, at codon 233 of the ARSG protein (p.Arg233His). This variant is present in population databases (rs774988063, gnomAD 0.006%). This variant has not been reported in the literature in individuals affected with ARSG-related conditions. ClinVar contains an entry for this variant (Variation ID: 1054855). Advanced modeling of protein sequence and biophysical properties (such as structural, functional, and spatial information, amino acid conservation, physicochemical variation, residue mobility, and thermodynamic stability) performed at Invitae indicates that this missense variant is not expected to disrupt ARSG protein function. In summary, the available evidence is currently insufficient to determine the role of this variant in disease. Therefore, it has been classified as a Variant of Uncertain Significance.

NM_001267727.2(ARSG):c.698G>A (p.Arg233His)

Genes: ARSG (arylsulfatase G; plus strand), LOC130061524 (ATAC-STARR-seq lymphoblastoid active region 12647; plus strand). Cytogenetic location: 17q24.2.
Variant type: single nucleotide variant.
Coding change: c.698G>A on transcript NM_001267727.2 (MANE Select); coding-DNA position 698, G replaced by A.
Protein change: p.Arg233His; replaces arginine 233 with histidine.
Molecular consequence: missense variant.
Genome position (GRCh38, 1-based): chr17:68,356,798, G>A. VCF-style: chr17-68356798-G-A. GRCh37 (hg19) VCF-style: chr17-66352939-G-A.
Other names: c.698G>A, p.Arg233His (NM_001352899.2, NM_001352900.2, NM_001352901.2 and 8 more transcripts); c.650G>A, p.Arg217His (NM_001352909.2); c.698G>A (NM_014960.3); short protein forms R217H, R233H.
Identifiers: ClinVar variation 1054855 (VCV001054855.10), dbSNP rs774988063, ClinGen allele CA8728313.
Genomic context (GRCh38, chr17:68,356,798, plus strand): 5'-CGGTGAACTTGAGCAGCCTTGCCCAGAAGTATGCTGAGAAAGCAACCCAGTTCATCCAGC[G>A]TGCAAGGTGAGGAGTCTCCCTCCCTCCGCAGGGCCTCCCCCTGCCTCCACCTACCCGTGC-3'
Protein context (NP_001254656.1, residues 223-243): YAEKATQFIQ[Arg233His]ASTSGRPFLL